The following is an entry in ClinVar:

NM_001009999.3(KDM1A):c.1480C>G (p.Pro494Ala)

Gene: KDM1A (lysine demethylase 1A; plus strand). Cytogenetic location: 1p36.12.
Variant type: single nucleotide variant.
Coding change: c.1480C>G on transcript NM_001009999.3 (MANE Select); coding-DNA position 1480, C replaced by G.
Protein change: p.Pro494Ala; replaces proline 494 with alanine.
Molecular consequence: missense variant.
Genome position (GRCh38, 1-based): chr1:23,071,291, C>G. VCF-style: chr1-23071291-C-G. GRCh37 (hg19) VCF-style: chr1-23397784-C-G.
Other names: c.1408C>G, p.Pro470Ala (NM_001363654.2, NM_001410763.1, NM_015013.4); c.1468C>G, p.Pro490Ala (NM_001410762.1); short protein forms P490A, P494A, P470A.
Identifiers: ClinVar variation 4042170 (VCV004042170.1).

ClinVar aggregate classification (germline): Uncertain significance (1 of 4 stars; one submission).

Conditions:
Inborn genetic diseases. Identifiers: MedGen C0950123, MeSH D030342.

gnomAD v4.1: 1 of 1,612,458 alleles (0.000062%); highest among the groups gnomAD compares: Non-Finnish European, 0.000085%; no homozygotes.

Submission:

Ambry Genetics
Classification: Uncertain significance for Inborn genetic diseases. Last evaluated: 2025-06-02. Review status: criteria provided, single submitter. Criteria: Ambry Variant Classification Scheme 2023. Collection method: clinical testing. Allele origin: germline.
Comment: The p.P494A variant (also known as c.1480C>G), located in coding exon 13 of the KDM1A gene, results from a C to G substitution at nucleotide position 1480. The proline at codon 494 is replaced by alanine, an amino acid with highly similar properties. This amino acid position is conserved. In addition, this alteration is predicted to be tolerated by in silico analysis. Based on the available evidence, the clinical significance of this variant remains unclear.